The following is an entry in ClinVar:

NM_005068.3(SIM1):c.2170A>T (p.Ser724Cys)

Gene: SIM1 (SIM bHLH transcription factor 1; minus strand). Cytogenetic location: 6q16.3.
Variant type: single nucleotide variant.
Coding change: c.2170A>T on transcript NM_005068.3 (MANE Select); coding-DNA position 2170, A replaced by T.
Protein change: p.Ser724Cys; replaces serine 724 with cysteine.
Molecular consequence: missense variant.
Genome position (GRCh38, 1-based): chr6:100,390,492, T>A on the plus strand (A>T on the coding strand, the complement: SIM1 is on the minus strand). VCF-style: chr6-100390492-T-A. GRCh37 (hg19) VCF-style: chr6-100838368-T-A.
Other names: c.2170A>T, p.Ser724Cys (NM_001374769.1); short protein forms S724C.
Identifiers: ClinVar variation 3023463 (VCV003023463.3), dbSNP rs1770608519, ClinGen allele CA365297514.
Genomic context (GRCh38, chr6:100,390,492, plus strand): 5'-GGGAAGTTACATCAAAGTGTGAGCCATTACAGCCCAAGGAATAGTTTCTAATGGTTTCGC[T>A]GTCATATAAGTGCTCCAGGGCATATCCAGTTAATGTGTAAGCATGCTTGTCAAAATACTG-3'
Protein context (NP_005059.2, residues 714-734): TGYALEHLYD[Ser724Cys]ETIRNYSLGC

ClinVar aggregate classification (germline): Uncertain significance (1 of 4 stars; one submission).

Allele frequency attached by ClinVar (database versions not stated): TOPMed 0.00001.

Submission:

Labcorp Genetics (formerly Invitae), Labcorp
Classification: Uncertain significance. Last evaluated: 2026-01-12. Review status: criteria provided, single submitter. Criteria: Invitae Variant Classification Sherloc (09022015). Collection method: clinical testing. Allele origin: germline.
Comment: This sequence change replaces serine, which is neutral and polar, with cysteine, which is neutral and slightly polar, at codon 724 of the SIM1 protein (p.Ser724Cys). This variant is not present in population databases (gnomAD no frequency). This variant has not been reported in the literature in individuals affected with SIM1-related conditions. ClinVar contains an entry for this variant (Variation ID: 3023463). An algorithm developed to predict the effect of missense changes on protein structure and function (PolyPhen-2) suggests that this variant is likely to be tolerated. In summary, the available evidence is currently insufficient to determine the role of this variant in disease. Therefore, it has been classified as a Variant of Uncertain Significance.